The following is an entry in ClinVar:

NM_005012.4(ROR1):c.1356G>C (p.Glu452Asp)

Gene: ROR1 (ROR family WNT receptor 1; plus strand). Cytogenetic location: 1p31.3.
Variant type: single nucleotide variant.
Coding change: c.1356G>C on transcript NM_005012.4 (MANE Select); coding-DNA position 1356, G replaced by C.
Protein change: p.Glu452Asp; replaces glutamic acid 452 with aspartic acid.
Molecular consequence: missense variant.
Genome position (GRCh38, 1-based): chr1:64,159,162, G>C. VCF-style: chr1-64159162-G-C. GRCh37 (hg19) VCF-style: chr1-64624845-G-C.
Other names: c.1356G>C (NM_005012.2); short protein forms E452D.
Identifiers: ClinVar variation 1647252 (VCV001647252.12), dbSNP rs777805288, ClinGen allele CA890262.

ClinVar aggregate classification (germline): Conflicting classifications of pathogenicity. Review status: criteria provided, conflicting classifications (1 of 4 stars). 5 submissions from 5 submitters: Uncertain significance (1); Likely benign (4). Last evaluated 2025-12-19.

Conditions:
Hearing loss, autosomal recessive 108. Also called: DEAFNESS, AUTOSOMAL RECESSIVE 108. Identifiers: MedGen C4539997, MONDO:0033200, OMIM 617654.
ROR1-related disorder. Also called: ROR1-related condition.

Allele frequency attached by ClinVar (database versions not stated): gnomAD 0.00006; gnomAD exomes 0.00009 and 0.00047; TOPMed 0.00015; ExAC 0.00044.
gnomAD v4.1: 141 of 1,613,930 alleles (0.0087%); highest among the groups gnomAD compares: Admixed American, 0.23%; no homozygotes.

Submissions (5):

Labcorp Genetics (formerly Invitae), Labcorp
Classification: Likely benign. Last evaluated: 2025-12-19. Review status: criteria provided, single submitter. Criteria: Invitae Variant Classification Sherloc (09022015). Collection method: clinical testing. Allele origin: germline.

Ambry Genetics
Classification: Uncertain significance. Last evaluated: 2025-08-28. Review status: criteria provided, single submitter. Criteria: Ambry Variant Classification Scheme 2023. Collection method: clinical testing. Allele origin: germline.

PreventionGenetics, part of Exact Sciences
Classification: Likely benign for ROR1-related condition. Last evaluated: 2025-06-30. Review status: criteria provided, single submitter. Criteria: ACMG Guidelines, 2015. Collection method: clinical testing. Allele origin: germline.
Comment: This variant is classified as likely benign based on ACMG/AMP sequence variant interpretation guidelines (Richards et al. 2015 PMID: 25741868, with internal and published modifications).

Blueprint Genetics
Classification: Likely benign. Last evaluated: 2024-02-07. Review status: criteria provided, single submitter. Criteria: ACMG Guidelines, 2015. Collection method: clinical testing. Allele origin: germline.

Fulgent Genetics
Classification: Likely benign for Hearing loss, autosomal recessive 108. Last evaluated: 2021-07-28. Review status: criteria provided, single submitter. Criteria: ACMG Guidelines, 2015. Collection method: clinical testing. Allele origin: unknown.